The following is an entry in ClinVar:

ClinVar aggregate classification (germline): Uncertain significance. Review status: criteria provided, multiple submitters, no conflicts (2 of 4 stars). 2 submissions from 2 submitters: Uncertain significance (2). Last evaluated 2023-07-18.

Conditions:
Inborn genetic diseases. Identifiers: MedGen C0950123, MeSH D030342.
Thrombophilia due to protein S deficiency, autosomal recessive (THPH6). Identifiers: Orphanet 743, MedGen C3281092, MONDO:0013791, OMIM 614514. Disease mechanism: loss of function.

Allele frequency attached by ClinVar (database versions not stated): gnomAD 0.00001; TOPMed 0.00002.
gnomAD v4.1: 2 of 1,613,978 alleles (0.00012%); highest among the groups gnomAD compares: African/African-American, 0.0013%; no homozygotes.

Submissions (2):

Labcorp Genetics (formerly Invitae), Labcorp
Classification: Uncertain significance for Thrombophilia due to protein S deficiency, autosomal recessive. Last evaluated: 2023-07-18. Review status: criteria provided, single submitter. Criteria: Invitae Variant Classification Sherloc (09022015). Collection method: clinical testing. Allele origin: germline.
Comment: This sequence change replaces valine, which is neutral and non-polar, with phenylalanine, which is neutral and non-polar, at codon 37 of the PROS1 protein (p.Val37Phe). This variant is present in population databases (no rsID available, gnomAD no frequency). This variant has not been reported in the literature in individuals affected with PROS1-related conditions. ClinVar contains an entry for this variant (Variation ID: 2318670). Advanced modeling of protein sequence and biophysical properties (such as structural, functional, and spatial information, amino acid conservation, physicochemical variation, residue mobility, and thermodynamic stability) performed at Invitae indicates that this missense variant is not expected to disrupt PROS1 protein function. In summary, the available evidence is currently insufficient to determine the role of this variant in disease. Therefore, it has been classified as a Variant of Uncertain Significance.

Ambry Genetics
Classification: Uncertain significance for Inborn genetic diseases. Last evaluated: 2022-10-12. Review status: criteria provided, single submitter. Criteria: Ambry Variant Classification Scheme 2023. Collection method: clinical testing. Allele origin: germline.

NM_000313.4(PROS1):c.109G>T (p.Val37Phe)

Gene: PROS1 (protein S; minus strand). Cytogenetic location: 3q11.1.
Variant type: single nucleotide variant.
Coding change: c.109G>T on transcript NM_000313.4 (MANE Select); coding-DNA position 109, G replaced by T.
Protein change: p.Val37Phe; replaces valine 37 with phenylalanine.
Molecular consequence: missense variant.
Genome position (GRCh38, 1-based): chr3:93,927,375, C>A on the plus strand (G>T on the coding strand, the complement: PROS1 is on the minus strand). VCF-style: chr3-93927375-C-A. GRCh37 (hg19) VCF-style: chr3-93646219-C-A.
Other names: c.205G>T, p.Val69Phe (NM_001314077.2); short protein forms V69F, V37F.
Identifiers: ClinVar variation 2318670 (VCV002318670.5), dbSNP rs773551347, ClinGen allele CA353674679.